The following is an entry in ClinVar:

NM_080425.4(GNAS):c.1798C>G (p.Arg600Gly)

Gene: GNAS (GNAS complex locus; plus strand). Cytogenetic location: 20q13.32.
Variant type: single nucleotide variant.
Coding change: c.1798C>G on transcript NM_080425.4 (MANE Plus Clinical); coding-DNA position 1798, C replaced by G.
Protein change: p.Arg600Gly; replaces arginine 600 with glycine.
Molecular consequence: missense variant. On other transcripts: synonymous variant (2), intron variant (3).
Genome position (GRCh38, 1-based): chr20:58,855,063, C>G. VCF-style: chr20-58855063-C-G. GRCh37 (hg19) VCF-style: chr20-57430118-C-G.
Other names: c.1611C>G, p.Ala537= (NM_001077490.3, NM_001309883.1); c.1798C>G, p.Arg600Gly (NM_001410913.1); c.*42+14177C>G (NM_016592.5); c.43+14177C>G (NM_001410912.1); c.-39+13188C>G (NM_001309861.2); short protein forms R600G.
Identifiers: ClinVar variation 134493 (VCV000134493.39), dbSNP rs74897360, ClinGen allele CA159964.

ClinVar aggregate classification (germline): Benign/Likely benign. Review status: criteria provided, multiple submitters, no conflicts (2 of 4 stars). 11 submissions from 11 submitters: Benign (2); Likely benign (5). 4 of the submissions do not count toward it. Last evaluated 2026-07-01.

Conditions:
McCune-Albright syndrome (MAS). Also called: Albright's disease; ALBRIGHT SYNDROME; McCune-Albright syndrome, somatic, mosaic; Albright's Syndrome; Fibrous Dysplasia / McCune-Albright Syndrome. Identifiers: Orphanet 562, MedGen C0242292, MONDO:0018919, OMIM 174800.
Pseudohypoparathyroidism type 1B (PHP1B). Also called: PHP IB; Pseudohypoparathyroidism Type IB; Pseudohypoparathyroidism Ib (PHP-Ib). Identifiers: Orphanet 94089, MedGen C1864100, MONDO:0011301, OMIM 603233.
Pseudopseudohypoparathyroidism (PPHP). Also called: Pseudopseudohypoparathyroidism (PPHP); ALBRIGHT HEREDITARY OSTEODYSTROPHY WITHOUT MULTIPLE HORMONE RESISTANCE. Identifiers: Orphanet 79445, MedGen C0033835, MONDO:0012912, OMIM 612463.
Progressive osseous heteroplasia (POH). Also called: Osseus Heteroplasia, Progressive; Osteoma cutis; Progressive Osseus Heteroplasia (POH); ECTOPIC OSSIFICATION, FAMILIAL. Identifiers: Orphanet 2762, MedGen C0334041, MONDO:0008153, OMIM 166350, HP:0025027.
ACTH-independent macronodular adrenal hyperplasia 1 (AIMAH1). Also called: ACTH-INDEPENDENT MACRONODULAR ADRENOCORTICAL HYPERPLASIA; ADRENOCORTICOTROPIC HORMONE-INDEPENDENT MACRONODULAR ADRENAL HYPERPLASIA; ACTH-independent macronodular adrenal hyperplasia, somatic; CORTICOTROPIN-INDEPENDENT MACRONODULAR ADRENAL HYPERPLASIA; CUSHING SYNDROME, ADRENAL, DUE TO AIMAH. Identifiers: MedGen C1857451, MONDO:0020735, OMIM 219080.
Pseudohypoparathyroidism type I A (PHP1A). Also called: Pseudohypoparathyroidism Type IA; PHP IA; Pseudohypoparathyroidism type 1A; ALBRIGHT HEREDITARY OSTEODYSTROPHY WITH MULTIPLE HORMONE RESISTANCE; Pseudohypoparathyroidism Ia (PHP-Ia). Identifiers: Orphanet 79443, MedGen C3494506, MONDO:0007078, OMIM 103580.
Pseudohypoparathyroidism type 1C (PHP1C). Also called: PHP IC; Pseudohypoparathyroidism Ic (PHP-Ic); PSEUDOHYPOPARATHYROIDISM, TYPE IC. Identifiers: Orphanet 79444, MedGen C2932716, MONDO:0012911, OMIM 612462.
Pituitary adenoma 3, multiple types. Also called: PITUITARY ADENOMA 3, ACTH-SECRETING, SOMATIC; PITUITARY ADENOMA 3, GROWTH HORMONE-SECRETING, SOMATIC. Identifiers: MedGen C4540135, MONDO:0054665, OMIM 617686.

Allele frequency attached by ClinVar (database versions not stated): 1000 Genomes Project 0.00300; 1000 Genomes Project 30x 0.00328; ESP Exome Variant Server 0.00431; gnomAD 0.00538; TOPMed 0.00444.
gnomAD v4.1: 11,311 of 1,613,168 alleles (0.7%); highest among the groups gnomAD compares: South Asian, 1.2%; 65 homozygotes.

Submissions (11):

CeGaT Center for Human Genetics Tuebingen
Classification: Benign. Last evaluated: 2026-07-01. Review status: criteria provided, single submitter. Criteria: CeGaT Center For Human Genetics Tuebingen Variant Classification Criteria Version 2. Collection method: clinical testing. Allele origin: germline. Affected: yes. Observed: 10 variant alleles.
Comment: GNAS: BP4, BS1, BS2

Blueprint Genetics
Classification: Likely benign. Last evaluated: 2024-11-27. Review status: criteria provided, single submitter. Criteria: ACMG Guidelines, 2015. Collection method: clinical testing. Allele origin: germline.

Fulgent Genetics
Classification: Likely benign for Pseudohypoparathyroidism type I A; Progressive osseous heteroplasia; McCune-Albright syndrome; ACTH-independent macronodular adrenal hyperplasia 1; Pseudohypoparathyroidism type 1B; Pseudohypoparathyroidism type 1C; Pseudopseudohypoparathyroidism; Pituitary adenoma 3, multiple types. Last evaluated: 2021-11-30. Review status: criteria provided, single submitter. Criteria: ACMG Guidelines, 2015. Collection method: clinical testing. Allele origin: unknown.

GeneDx
Classification: Likely benign. Last evaluated: 2020-11-14. Review status: criteria provided, single submitter. Criteria: GeneDx Variant Classification Process June 2021. Collection method: clinical testing. Allele origin: germline. Affected: yes.
Comment: This variant is associated with the following publications: (PMID: 32428920)

Labcorp Genetics (formerly Invitae), Labcorp
Classification: Benign. Last evaluated: 2019-12-31. Review status: criteria provided, single submitter. Criteria: Invitae Variant Classification Sherloc (09022015). Collection method: clinical testing. Allele origin: germline.

Center for Pediatric Genomic Medicine, Children's Mercy Hospital and Clinics
Classification: Likely benign. Last evaluated: 2017-08-31. Review status: criteria provided, single submitter. Criteria: ACMG Guidelines, 2015. Collection method: clinical testing. Allele origin: germline.

Breakthrough Genomics
Classification: Likely benign. Review status: criteria provided, single submitter. Criteria: ACMG Guidelines, 2015. Collection method: not provided. Allele origin: germline. Inheritance: Autosomal dominant inheritance. Affected: yes.

ITMI
No classification provided. Condition: AllHighlyPenetrant. Last evaluated: 2013-09-19. Review status: no classification provided. Collection method: reference population. Allele origin: germline. Not counted in ClinVar's aggregate classification.
Comment: Please see associated publication for description of ethnicities

Clinical Genetics, Academic Medical Center
Classification: Benign. Review status: no assertion criteria provided. Collection method: clinical testing. Allele origin: germline. Affected: yes. Study: VKGL Data-share Consensus. Not counted in ClinVar's aggregate classification.

Diagnostic Laboratory, Department of Genetics, University Medical Center Groningen
Classification: Benign. Review status: no assertion criteria provided. Collection method: clinical testing. Allele origin: germline. Affected: yes. Study: VKGL Data-share Consensus. Not counted in ClinVar's aggregate classification.

Laboratory of Diagnostic Genome Analysis, Leiden University Medical Center (LUMC)
Classification: Likely benign. Review status: no assertion criteria provided. Collection method: clinical testing. Allele origin: germline. Affected: yes. Study: VKGL Data-share Consensus. Not counted in ClinVar's aggregate classification.

Literature cited by the submitters: PubMed 24728327 (cited by ITMI).